The following is an entry in ClinVar:

ClinVar aggregate classification (germline): Likely benign. Review status: criteria provided, single submitter (1 of 4 stars). 2 submissions from 2 submitters: Likely benign (1). 1 of the submissions does not count toward it. Last evaluated 2024-02-24.

Conditions:
TP63-related disorder. Also called: TP63-Related Disorders; TP63-related condition. Identifiers: MedGen CN380159.
TP63-Related Spectrum Disorders.

Allele frequency attached by ClinVar (database versions not stated): gnomAD 0.00001; TOPMed 0.00001.
gnomAD v4.1: 2 of 1,614,058 alleles (0.00012%); highest among the groups gnomAD compares: African/African-American, 0.0013%; no homozygotes.

Submissions (2):

Labcorp Genetics (formerly Invitae), Labcorp
Classification: Likely benign. Last evaluated: 2024-02-24. Review status: criteria provided, single submitter. Criteria: Invitae Variant Classification Sherloc (09022015). Collection method: clinical testing. Allele origin: germline.

PreventionGenetics, part of Exact Sciences
Classification: Likely benign for TP63-related condition. Last evaluated: 2019-07-01. Review status: no assertion criteria provided. Collection method: clinical testing. Allele origin: germline. Not counted in ClinVar's aggregate classification.
Comment: This variant is classified as likely benign based on ACMG/AMP sequence variant interpretation guidelines (Richards et al. 2015 PMID: 25741868, with internal and published modifications).

NM_003722.5(TP63):c.1527C>T (p.His509=)

Gene: TP63 (tumor protein p63; plus strand). Cytogenetic location: 3q28.
Variant type: single nucleotide variant.
Coding change: c.1527C>T on transcript NM_003722.5 (MANE Select); coding-DNA position 1527, C replaced by T.
Protein change: p.His509=; no amino-acid change (histidine 509 retained).
Molecular consequence: synonymous variant. On other transcripts: intron variant (4).
Genome position (GRCh38, 1-based): chr3:189,889,359, C>T. VCF-style: chr3-189889359-C-T. GRCh37 (hg19) VCF-style: chr3-189607148-C-T.
Other names: c.1527C>T, p.His509= (NM_001114978.2); c.1245C>T, p.His415= (NM_001114980.2, NM_001114981.2); c.990C>T, p.His330= (NM_001329146.2); c.1515C>T, p.His505= (NM_001329148.2); c.1521C>T, p.His507= (NM_001329964.2); c.1507+2808C>T (NM_001329144.2); c.1225+2808C>T (NM_001329145.2); c.1213+2808C>T (NM_001329149.2); and 2 more.
Identifiers: ClinVar variation 1632864 (VCV001632864.9), dbSNP rs1720780438, ClinGen allele CA437416296.